The following is an entry in ClinVar:

NM_020639.3(RIPK4):c.117G>A (p.Val39=)

Gene: RIPK4 (receptor interacting serine/threonine kinase 4; minus strand). Cytogenetic location: 21q22.3.
Variant type: single nucleotide variant.
Coding change: c.117G>A on transcript NM_020639.3 (MANE Select); coding-DNA position 117, G replaced by A.
Protein change: p.Val39=; no amino-acid change (valine 39 retained).
Molecular consequence: synonymous variant.
Genome position (GRCh38, 1-based): chr21:41,766,925, C>T on the plus strand (G>A on the coding strand, the complement: RIPK4 is on the minus strand). VCF-style: chr21-41766925-C-T. GRCh37 (hg19) VCF-style: chr21-43187085-C-T.
Identifiers: ClinVar variation 896809 (VCV000896809.8), dbSNP rs147023104, ClinGen allele CA10035847.

ClinVar aggregate classification (germline): Benign/Likely benign. Review status: criteria provided, multiple submitters, no conflicts (2 of 4 stars). 3 submissions from 3 submitters: Benign (1); Likely benign (2). Last evaluated 2021-03-08.

Conditions:
Bartsocas-Papas syndrome 1. Also called: MULTIPLE PTERYGIUM SYNDROME, ASLAN TYPE; Bartsocas-Papas syndrome; PTERYGIUM, POPLITEAL, LETHAL TYPE. Identifiers: Orphanet 1234, MedGen C1849718, MONDO:0009901, OMIM 263650.

Allele frequency attached by ClinVar (database versions not stated): 1000 Genomes Project 0.00739; 1000 Genomes Project 30x 0.00765; gnomAD exomes 0.01236 and 0.01673; ExAC 0.01250; TOPMed 0.01282; gnomAD 0.01302 and 0.01319; ESP Exome Variant Server 0.01454.
gnomAD v4.1: 26,262 of 1,610,328 alleles (1.6%); highest among the groups gnomAD compares: Non-Finnish European, 2%; 261 homozygotes.

Submissions (3):

GeneDx
Classification: Likely benign. Last evaluated: 2021-03-08. Review status: criteria provided, single submitter. Criteria: GeneDx Variant Classification Process June 2021. Collection method: clinical testing. Allele origin: germline. Affected: yes.

Illumina Laboratory Services, Illumina
Classification: Benign for Bartsocas-Papas syndrome 1. Last evaluated: 2017-04-27. Review status: criteria provided, single submitter. Criteria: ICSL Variant Classification Criteria 13 December 2019. Collection method: clinical testing. Allele origin: germline.
Comment: This variant was observed as part of a predisposition screen in an ostensibly healthy population. A literature search was performed for the gene, cDNA change, and amino acid change (where applicable). No publications were found based on this search. Allele frequency data from public databases was too high to be consistent with this variant causing disease. Therefore, this variant is classified as benign.

Breakthrough Genomics
Classification: Likely benign. Review status: criteria provided, single submitter. Criteria: ACMG Guidelines, 2015. Collection method: not provided. Allele origin: germline. Inheritance: Autosomal recessive inheritance. Affected: yes.